The following is an entry in ClinVar:

NM_001009944.3(PKD1):c.4831G>T (p.Val1611Phe)

Gene: PKD1 (polycystin 1, transient receptor potential channel interacting; minus strand). Cytogenetic location: 16p13.3.
Variant type: single nucleotide variant.
Coding change: c.4831G>T on transcript NM_001009944.3 (MANE Select); coding-DNA position 4831, G replaced by T.
Protein change: p.Val1611Phe; replaces valine 1611 with phenylalanine.
Molecular consequence: missense variant.
Genome position (GRCh38, 1-based): chr16:2,110,336, C>A on the plus strand (G>T on the coding strand, the complement: PKD1 is on the minus strand). VCF-style: chr16-2110336-C-A. GRCh37 (hg19) VCF-style: chr16-2160337-C-A.
Other names: c.4831G>T, p.Val1611Phe (NM_000296.4); short protein forms V1611F.
Identifiers: ClinVar variation 3338413 (VCV003338413.1).

ClinVar aggregate classification (germline): Uncertain significance (1 of 4 stars; one submission).

Conditions:
Polycystic kidney disease, adult type (PKD1). Also called: Polycystic Kidney, Autosomal Dominant; POLYCYSTIC KIDNEY DISEASE 1 WITH OR WITHOUT POLYCYSTIC LIVER DISEASE; POLYCYSTIC KIDNEY DISEASE, ADULT, TYPE I; Polycystic Kidney Disease 1, Autosomal Dominant; Polycystic kidney disease 1; Polycystic kidney disease 1, severe. Identifiers: MedGen C3149841, MONDO:0008263, OMIM 173900.

Submission:

MVZ Medizinische Genetik Mainz
Classification: Uncertain significance for Polycystic kidney disease, adult type. Last evaluated: 2024-07-29. Review status: criteria provided, single submitter. Criteria: UK Practice Guidelines For Variant Classification V4 01 2020. Collection method: clinical testing. Allele origin: germline. Inheritance: Autosomal dominant inheritance. Affected: yes. Observed: 1 variant allele.
Comment: ACMG Criteria: PM2_SUP,PP3,PP4